The following is an entry in ClinVar:

ClinVar aggregate classification (germline): Uncertain significance. Review status: criteria provided, multiple submitters, no conflicts (2 of 4 stars). 2 submissions from 2 submitters: Uncertain significance (2). Last evaluated 2025-12-27.

Conditions:
Neuroblastoma, susceptibility to, 3. Also called: ALK-Related Neuroblastic Tumor Susceptibility. Identifiers: Orphanet 635, MedGen C2751681, MONDO:0013083, OMIM 613014.
Hereditary cancer-predisposing syndrome. Also called: Neoplastic Syndromes, Hereditary; Hereditary neoplastic syndrome; Tumor predisposition; Hereditary Cancer Syndrome. Identifiers: Orphanet 140162, MedGen C0027672, MeSH D009386, MONDO:0015356.

gnomAD v4.1: 1 of 1,614,134 alleles (0.000062%); highest among the groups gnomAD compares: Non-Finnish European, 0.000085%; no homozygotes.

Submissions (2):

Ambry Genetics
Classification: Uncertain significance for Hereditary cancer-predisposing syndrome. Last evaluated: 2025-12-27. Review status: criteria provided, single submitter. Criteria: Ambry Variant Classification Scheme 2023. Collection method: clinical testing. Allele origin: germline.
Comment: The p.P396L variant (also known as c.1187C>T), located in coding exon 5 of the ALK gene, results from a C to T substitution at nucleotide position 1187. The proline at codon 396 is replaced by leucine, an amino acid with similar properties. This amino acid position is conserved. In addition, this alteration is predicted to be tolerated by in silico analysis. Based on the available evidence, the clinical significance of this variant remains unclear.

Labcorp Genetics (formerly Invitae), Labcorp
Classification: Uncertain significance for Neuroblastoma, susceptibility to, 3. Last evaluated: 2025-07-03. Review status: criteria provided, single submitter. Criteria: Invitae Variant Classification Sherloc (09022015). Collection method: clinical testing. Allele origin: germline.
Comment: This sequence change replaces proline, which is neutral and non-polar, with leucine, which is neutral and non-polar, at codon 396 of the ALK protein (p.Pro396Leu). This variant is not present in population databases (gnomAD no frequency). This variant has not been reported in the literature in individuals affected with ALK-related conditions. An algorithm developed to predict the effect of missense changes on protein structure and function outputs the following: PolyPhen-2: "Benign". The leucine amino acid residue is found in multiple mammalian species, which suggests that this missense change does not adversely affect protein function. In summary, the available evidence is currently insufficient to determine the role of this variant in disease. Therefore, it has been classified as a Variant of Uncertain Significance.

NM_004304.5(ALK):c.1187C>T (p.Pro396Leu)

Gene: ALK (ALK receptor tyrosine kinase; minus strand). Cytogenetic location: 2p23.2.
Variant type: single nucleotide variant.
Coding change: c.1187C>T on transcript NM_004304.5 (MANE Select); coding-DNA position 1187, C replaced by T.
Protein change: p.Pro396Leu; replaces proline 396 with leucine.
Molecular consequence: missense variant.
Genome position (GRCh38, 1-based): chr2:29,383,827, G>A on the plus strand (C>T on the coding strand, the complement: ALK is on the minus strand). VCF-style: chr2-29383827-G-A. GRCh37 (hg19) VCF-style: chr2-29606693-G-A.
Other names: c.1187C>T (NM_004304.4); short protein forms P396L.
Identifiers: ClinVar variation 4766899 (VCV004766899.2).